The following is an entry in ClinVar:

NM_018896.5(CACNA1G):c.5572A>C (p.Asn1858His)

Gene: CACNA1G (calcium voltage-gated channel subunit alpha1 G; plus strand). Cytogenetic location: 17q21.33.
Variant type: single nucleotide variant.
Coding change: c.5572A>C on transcript NM_018896.5 (MANE Select); coding-DNA position 5572, A replaced by C.
Protein change: p.Asn1858His; replaces asparagine 1858 with histidine.
Molecular consequence: missense variant. On other transcripts: non-coding transcript variant (5).
Genome position (GRCh38, 1-based): chr17:50,618,799, A>C. VCF-style: chr17-50618799-A-C. GRCh37 (hg19) VCF-style: chr17-48696160-A-C.
Other names: c.5518A>C, p.Asn1840His (NM_001256324.2, NM_198386.3); c.5593A>C, p.Asn1865His (NM_001256325.2); c.5437A>C, p.Asn1813His (NM_001256326.2, NM_001256330.2); c.5551A>C, p.Asn1851His (NM_001256327.2); c.5497A>C, p.Asn1833His (NM_001256328.2); c.5470A>C, p.Asn1824His (NM_001256329.2, NM_198376.3, NM_198379.3 and 2 more transcripts); c.5416A>C, p.Asn1806His (NM_001256331.2); c.5401A>C, p.Asn1801His (NM_001256332.2); and 7 more; short protein forms N1801H, N1806H, N1813H, N1817H, N1820H, N1822H, N1824H, N1831H.
Identifiers: ClinVar variation 1723616 (VCV001723616.3), dbSNP rs2545761424, ClinGen allele CA400265751.

ClinVar aggregate classification (germline): Uncertain significance (1 of 4 stars; one submission).

Allele frequency attached by ClinVar (database versions not stated): gnomAD exomes below 0.00001.
gnomAD v4.1: 1 of 1,613,978 alleles (0.000062%); highest among the groups gnomAD compares: Middle Eastern, 0.016%; no homozygotes.

Submission:

GeneDx
Classification: Uncertain significance. Last evaluated: 2025-05-24. Review status: criteria provided, single submitter. Criteria: GeneDx Variant Classification Process June 2021. Collection method: clinical testing. Allele origin: germline. Affected: yes.
Comment: Not observed at significant frequency in large population cohorts (gnomAD); In silico analysis supports that this missense variant has a deleterious effect on protein structure/function; Has not been previously published as pathogenic or benign to our knowledge